The following is an entry in ClinVar:

ClinVar aggregate classification (germline): Uncertain significance (1 of 4 stars; one submission).

gnomAD v4.1: 24 of 1,612,610 alleles (0.0015%); highest among the groups gnomAD compares: Admixed American, 0.017%; no homozygotes.

Submission:

Labcorp Genetics (formerly Invitae), Labcorp
Classification: Uncertain significance. Last evaluated: 2025-11-24. Review status: criteria provided, single submitter. Criteria: Invitae Variant Classification Sherloc (09022015). Collection method: clinical testing. Allele origin: germline.
Comment: This sequence change replaces glycine, which is neutral and non-polar, with serine, which is neutral and polar, at codon 420 of the CSF2RB protein (p.Gly420Ser). This variant is present in population databases (rs774676608, gnomAD 0.02%). This variant has not been reported in the literature in individuals affected with CSF2RB-related conditions. Invitae Evidence Modeling of protein sequence and biophysical properties (such as structural, functional, and spatial information, amino acid conservation, physicochemical variation, residue mobility, and thermodynamic stability) indicates that this missense variant is not expected to disrupt CSF2RB protein function with a negative predictive value of 80%. In summary, the available evidence is currently insufficient to determine the role of this variant in disease. Therefore, it has been classified as a Variant of Uncertain Significance.

NM_000395.3(CSF2RB):c.1258G>A (p.Gly420Ser)

Gene: CSF2RB (colony stimulating factor 2 receptor subunit beta; plus strand). Cytogenetic location: 22q12.3.
Variant type: single nucleotide variant.
Coding change: c.1258G>A on transcript NM_000395.3 (MANE Select); coding-DNA position 1258, G replaced by A.
Protein change: p.Gly420Ser; replaces glycine 420 with serine.
Molecular consequence: missense variant.
Genome position (GRCh38, 1-based): chr22:36,933,937, G>A. VCF-style: chr22-36933937-G-A. GRCh37 (hg19) VCF-style: chr22-37329979-G-A.
Other names: c.1276G>A, p.Gly426Ser (NM_001410827.1); short protein forms G426S, G420S.
Identifiers: ClinVar variation 4754591 (VCV004754591.1).